The following is an entry in ClinVar:

ClinVar aggregate classification (germline): Uncertain significance (1 of 4 stars; one submission).

gnomAD v4.1: 2 of 1,612,836 alleles (0.00012%); highest among the groups gnomAD compares: Non-Finnish European, 0.00017%; no homozygotes.

Submission:

GeneDx
Classification: Uncertain significance. Last evaluated: 2023-03-14. Review status: criteria provided, single submitter. Criteria: GeneDx Variant Classification Process June 2021. Collection method: clinical testing. Allele origin: germline. Affected: yes.
Comment: Not observed at significant frequency in large population cohorts (gnomAD); In silico analysis supports that this missense variant does not alter protein structure/function; Has not been previously published as pathogenic or benign to our knowledge

NM_001349338.3(FOXP1):c.181G>A (p.Ala61Thr)

Gene: FOXP1 (forkhead box P1; minus strand). Cytogenetic location: 3p13.
Variant type: single nucleotide variant.
Coding change: c.181G>A on transcript NM_001349338.3 (MANE Select); coding-DNA position 181, G replaced by A.
Protein change: p.Ala61Thr; replaces alanine 61 with threonine.
Molecular consequence: missense variant. On other transcripts: 5 prime UTR variant (5), non-coding transcript variant (2).
Genome position (GRCh38, 1-based): chr3:71,112,637, C>T on the plus strand (G>A on the coding strand, the complement: FOXP1 is on the minus strand). VCF-style: chr3-71112637-C-T. GRCh37 (hg19) VCF-style: chr3-71161788-C-T.
Other names: c.181G>A, p.Ala61Thr (NM_001244808.3, NM_001244810.2, NM_001244812.3 and 6 more transcripts); c.-120G>A (NM_001244815.2, NM_001349337.2, NM_001349342.3 and 2 more transcripts); short protein forms A61T.
Identifiers: ClinVar variation 2579781 (VCV002579781.1), dbSNP rs2546349368, ClinGen allele CA353563559.